The following is an entry in ClinVar:

ClinVar aggregate classification (germline): Uncertain significance (1 of 4 stars; one submission).

Conditions:
Xeroderma pigmentosum (XP). Identifiers: Orphanet 910, MedGen C0043346, MONDO:0019600.

Allele frequency attached by ClinVar (database versions not stated): gnomAD exomes below 0.00001; ExAC 0.00001; gnomAD 0.00001; TOPMed 0.00002.

Submission:

Sema4
Classification: Uncertain significance for Xeroderma pigmentosum. Last evaluated: 2021-08-17. Review status: criteria provided, single submitter. Criteria: Sema4 Curation Guidelines. Collection method: curation. Allele origin: germline.
Comment: The ERCC3 c.637A>G (p.T213A) variant has not been reported in the literature to our knowledge. It was observed in 1/16256 chromosomes of the African/African American subpopulation in the large and broad cohorts of the Genome Aggregation Database (PMID: 32461654). The variant has not been reported in ClinVar. Functional studies have not been performed, and in silico predictions of the variant's effect on protein function are inconclusive. The evidence is insufficient to meet ACMG/AMP criteria for classifying the variant as benign or pathogenic. Thus, the clinical significance of this variant is currently uncertain.

NM_000122.2(ERCC3):c.637A>G (p.Thr213Ala)

Gene: ERCC3 (ERCC excision repair 3, TFIIH core complex helicase subunit; minus strand). Cytogenetic location: 2q14.3.
Variant type: single nucleotide variant.
Coding change: c.637A>G on transcript NM_000122.2 (MANE Select); coding-DNA position 637, A replaced by G.
Protein change: p.Thr213Ala; replaces threonine 213 with alanine.
Molecular consequence: missense variant.
Genome position (GRCh38, 1-based): chr2:127,289,709, T>C on the plus strand (A>G on the coding strand, the complement: ERCC3 is on the minus strand). VCF-style: chr2-127289709-T-C. GRCh37 (hg19) VCF-style: chr2-128047285-T-C.
Other names: c.445A>G, p.Thr149Ala (NM_001303416.2, NM_001303418.2); short protein forms T149A, T213A.
Identifiers: ClinVar variation 1692169 (VCV001692169.1), dbSNP rs760681360, ClinGen allele CA1858491.